The following is an entry in ClinVar:

ClinVar aggregate classification (germline): Uncertain significance (1 of 4 stars; one submission).

Submission:

GeneDx
Classification: Uncertain significance. Last evaluated: 2024-05-13. Review status: criteria provided, single submitter. Criteria: GeneDx Variant Classification Process June 2021. Collection method: clinical testing. Allele origin: germline. Affected: yes.
Comment: Nonsense variant predicted to result in protein truncation as the last 164 amino acids are lost in a gene for which loss-of-function is not an established mechanism of disease; Not observed at significant frequency in large population cohorts (gnomAD); Has not been previously published as pathogenic or benign to our knowledge

NM_006160.4(NEUROD2):c.655C>T (p.Gln219Ter)

Gene: NEUROD2 (neuronal differentiation 2; minus strand). Cytogenetic location: 17q12.
Variant type: single nucleotide variant.
Coding change: c.655C>T on transcript NM_006160.4 (MANE Select); coding-DNA position 655, C replaced by T.
Protein change: p.Gln219Ter; replaces glutamine 219 with a stop codon.
Molecular consequence: nonsense.
Genome position (GRCh38, 1-based): chr17:39,605,945, G>A on the plus strand (C>T on the coding strand, the complement: NEUROD2 is on the minus strand). VCF-style: chr17-39605945-G-A. GRCh37 (hg19) VCF-style: chr17-37762198-G-A.
Other names: short protein forms Q219*.
Identifiers: ClinVar variation 3378218 (VCV003378218.1).